The following is an entry in ClinVar:

NM_001174147.2(LMX1B):c.326+5G>A

Gene: LMX1B (LIM homeobox transcription factor 1 beta; plus strand). Cytogenetic location: 9q33.3.
Variant type: single nucleotide variant.
Coding change: c.326+5G>A on transcript NM_001174147.2 (MANE Select); 5 bases into the intron after coding-DNA position 326, G replaced by A.
Molecular consequence: intron variant.
Genome position (GRCh38, 1-based): chr9:126,615,574, G>A. VCF-style: chr9-126615574-G-A. GRCh37 (hg19) VCF-style: chr9-129377853-G-A.
Other names: c.326+5G>A (NM_001174146.2, NM_002316.4).
Identifiers: ClinVar variation 3651663 (VCV003651663.2).
Genomic context (GRCh38, chr9:126,615,574, plus strand): 5'-ACCACCAGCTGCTACTTCCGGGATCGGAAACTGTACTGCAAACAAGACTACCAACAGTAA[G>A]CGCTTCTCGTCCTCCTTCCCCGCCACCGCCCGGCACTCGAGCCCGGTCAGCCCCCTGCCG-3'

ClinVar aggregate classification (germline): Uncertain significance (1 of 4 stars; one submission).

Submission:

Labcorp Genetics (formerly Invitae), Labcorp
Classification: Uncertain significance. Last evaluated: 2024-11-14. Review status: criteria provided, single submitter. Criteria: Invitae Variant Classification Sherloc (09022015). Collection method: clinical testing. Allele origin: germline.
Comment: This sequence change falls in intron 2 of the LMX1B gene. It does not directly change the encoded amino acid sequence of the LMX1B protein. It affects a nucleotide within the consensus splice site. This variant is not present in population databases (gnomAD no frequency). This variant has been observed in individual(s) with clinical features of nail-patella syndrome (internal data). Variants that disrupt the consensus splice site are a relatively common cause of aberrant splicing (PMID: 17576681, 9536098). Algorithms developed to predict the effect of sequence changes on RNA splicing suggest that this variant may disrupt the consensus splice site. In summary, the available evidence is currently insufficient to determine the role of this variant in disease. Therefore, it has been classified as a Variant of Uncertain Significance.

Literature cited by the submitters: PubMed 17576681; PubMed 9536098.